The following is an entry in ClinVar:

NM_000330.4(RS1):c.577_579del (p.Pro193del)

Genes: CDKL5 (cyclin dependent kinase like 5; plus strand), RS1 (retinoschisin 1; minus strand). Cytogenetic location: Xp22.13.
Variant type: Deletion.
Coding change: c.577_579del on transcript NM_000330.4 (MANE Select); coding-DNA positions 577 to 579, 3 bases deleted (CCC; older notation c.577_579delCCC).
Protein change: p.Pro193del; deletes proline 193.
Molecular consequence: inframe deletion. On other transcripts: intron variant (2).
Genome position (GRCh38, 1-based): chrX:18,642,100-18,642,102, GGG deleted on the plus strand (CCC on the coding strand, the reverse complement: RS1 is on the minus strand); deleting any 3 consecutive bases within chrX:18,642,100-18,642,105 gives the same sequence; the c. name uses the placement nearest the transcript's 3' end. VCF-style (leftmost placement, unchanged base first): chrX-18642099-TGGG-T. GRCh37 (hg19) VCF-style: chrX-18660219-TGGG-T.
Other names: c.2714-3904_2714-3902del (NM_003159.3, NM_001037343.2); short protein forms P193del.
Identifiers: ClinVar variation 2112704 (VCV002112704.4), dbSNP rs199469697, ClinGen allele CA2580100392.

ClinVar aggregate classification (germline): Pathogenic (1 of 4 stars; one submission).

Submission:

Labcorp Genetics (formerly Invitae), Labcorp
Classification: Pathogenic. Last evaluated: 2022-09-01. Review status: criteria provided, single submitter. Criteria: Invitae Variant Classification Sherloc (09022015). Collection method: clinical testing. Allele origin: germline.
Comment: For these reasons, this variant has been classified as Pathogenic. This variant disrupts a region of the RS1 protein in which other variant(s) (p.Pro193Leu) have been determined to be pathogenic (PMID: 9326935, 9760195, 10450864, 15937075, 24505212; Invitae). This suggests that this is a clinically significant region of the protein, and that variants that disrupt it are likely to be disease-causing. This variant has not been reported in the literature in individuals affected with RS1-related conditions. This variant is not present in population databases (gnomAD no frequency). This variant, c.577_579del, results in the deletion of 1 amino acid(s) of the RS1 protein (p.Pro193del), but otherwise preserves the integrity of the reading frame.

Literature cited by the submitters: PubMed 9326935; PubMed 9760195; PubMed 10450864; PubMed 15937075; PubMed 24505212.